The following is an entry in ClinVar:

NM_000535.7(PMS2):c.378C>G (p.His126Gln)

Gene: PMS2 (PMS1 homolog 2, mismatch repair system component; minus strand). Cytogenetic location: 7p22.1.
Variant type: single nucleotide variant.
Coding change: c.378C>G on transcript NM_000535.7 (MANE Select); coding-DNA position 378, C replaced by G.
Protein change: p.His126Gln; replaces histidine 126 with glutamine.
Molecular consequence: missense variant. On other transcripts: 5 prime UTR variant (8), non-coding transcript variant (1).
Genome position (GRCh38, 1-based): chr7:6,002,612, G>C on the plus strand (C>G on the coding strand, the complement: PMS2 is on the minus strand). VCF-style: chr7-6002612-G-C. GRCh37 (hg19) VCF-style: chr7-6042243-G-C.
Other names: c.-28C>G (NM_001322003.2, NM_001322004.2, NM_001322005.2 and 3 more transcripts); c.378C>G, p.His126Gln (NM_001322006.2, NM_001322014.2); c.60C>G, p.His20Gln (NM_001322007.2, NM_001322008.2); c.-507C>G (NM_001322011.2, NM_001322012.2); c.69C>G, p.His23Gln (NM_001322015.2); short protein forms H126Q, H23Q, H20Q.
Identifiers: ClinVar variation 237914 (VCV000237914.19), dbSNP rs768488890, ClinGen allele CA10582528.

ClinVar aggregate classification (germline): Uncertain significance. Review status: criteria provided, multiple submitters, no conflicts (2 of 4 stars). 7 submissions from 7 submitters: Uncertain significance (6). 1 of the submissions does not count toward it. Last evaluated 2025-10-07.

Conditions:
Hereditary nonpolyposis colorectal neoplasms. Identifiers: MedGen C0009405, MeSH D003123.
Hereditary cancer-predisposing syndrome. Also called: Neoplastic Syndromes, Hereditary; Hereditary neoplastic syndrome; Tumor predisposition; Hereditary Cancer Syndrome. Identifiers: Orphanet 140162, MedGen C0027672, MeSH D009386, MONDO:0015356.
Lynch syndrome. Identifiers: Orphanet 144, MedGen C4552100, MONDO:0005835. Disease mechanism: loss of function.
Lynch syndrome 4 (LYNCH4). Also called: Hereditary non-polyposis colorectal cancer, type 4; Colorectal cancer, hereditary nonpolyposis, type 4. Identifiers: Orphanet 144, MedGen C1838333, MONDO:0013699, OMIM 614337. Disease mechanism: loss of function.

gnomAD v4.1: 5 of 1,611,788 alleles (0.00031%); highest among the groups gnomAD compares: Non-Finnish European, 0.00042%; no homozygotes.

Submissions (7):

Labcorp Genetics (formerly Invitae), Labcorp
Classification: Uncertain significance for Hereditary nonpolyposis colorectal neoplasms. Last evaluated: 2025-10-07. Review status: criteria provided, single submitter. Criteria: Invitae Variant Classification Sherloc (09022015). Collection method: clinical testing. Allele origin: germline.
Comment: This sequence change replaces histidine, which is basic and polar, with glutamine, which is neutral and polar, at codon 126 of the PMS2 protein (p.His126Gln). This variant is not present in population databases (gnomAD no frequency). This variant has not been reported in the literature in individuals affected with PMS2-related conditions. ClinVar contains an entry for this variant (Variation ID: 237914). Invitae Evidence Modeling of protein sequence and biophysical properties (such as structural, functional, and spatial information, amino acid conservation, physicochemical variation, residue mobility, and thermodynamic stability) indicates that this missense variant is expected to disrupt PMS2 protein function with a positive predictive value of 80%. Studies have shown that this missense change is associated with altered splicing resulting in multiple RNA products (internal data). In summary, the available evidence is currently insufficient to determine the role of this variant in disease. Therefore, it has been classified as a Variant of Uncertain Significance.

Ambry Genetics
Classification: Uncertain significance for Hereditary cancer-predisposing syndrome. Last evaluated: 2024-07-23. Review status: criteria provided, single submitter. Criteria: Ambry Variant Classification Scheme 2023. Collection method: clinical testing. Allele origin: germline.
Comment: The p.H126Q variant (also known as c.378C>G), located in coding exon 5 of the PMS2 gene, results from a C to G substitution at nucleotide position 378. The histidine at codon 126 is replaced by glutamine, an amino acid with highly similar properties. This amino acid position is highly conserved in available vertebrate species. In addition, this alteration is predicted to be deleterious by in silico analysis. Based on the available evidence, the clinical significance of this variant remains unclear.

All of Us Research Program, National Institutes of Health
Classification: Uncertain significance for Lynch syndrome. Last evaluated: 2023-12-01. Review status: criteria provided, single submitter. Criteria: ACMG Guidelines, 2015. Collection method: clinical testing. Allele origin: germline. Inheritance: Autosomal dominant inheritance. Observed: 1 variant allele, 1 heterozygote.
Comment: This missense variant replaces histidine with glutamine at codon 126 of the PMS2 protein. Computational prediction is inconclusive regarding the impact of this variant on protein structure and function (internally defined REVEL score threshold 0.5 < inconclusive < 0.7, PMID: 27666373). To our knowledge, functional studies have not been reported for this variant. This variant has not been reported in individuals affected with hereditary cancer in the literature. This variant has not been identified in the general population by the Genome Aggregation Database (gnomAD). The available evidence is insufficient to determine the role of this variant in disease conclusively. Therefore, this variant is classified as a Variant of Uncertain Significance.

This study involves interpretation of variants in research participants for the purpose of population health screening. Participant phenotype was not available at the time of variant classification. Additional details can be found in publication PMID: 35346344, PMCID: PMC8962531

Myriad Genetics, Inc.
Classification: Uncertain significance for Lynch syndrome 4. Last evaluated: 2023-04-04. Review status: criteria provided, single submitter. Criteria: Myriad Autosomal Dominant, Autosomal Recessive and X-Linked Classification Criteria (2023). Collection method: clinical testing. Allele origin: unknown.
Comment: This variant is classified as a variant of uncertain significance as there is insufficient evidence to determine its impact on protein function and/or cancer risk.

Color Diagnostics, LLC DBA Color Health
Classification: Uncertain significance for Hereditary cancer-predisposing syndrome. Last evaluated: 2021-02-16. Review status: criteria provided, single submitter. Criteria: ACMG Guidelines, 2015. Collection method: clinical testing. Allele origin: germline.
Comment: This missense variant replaces histidine with glutamine at codon 126 of the PMS2 protein. Computational prediction is inconclusive regarding the impact of this variant on protein structure and function (internally defined REVEL score threshold 0.5 < inconclusive < 0.7, PMID: 27666373). To our knowledge, functional studies have not been reported for this variant. This variant has not been reported in individuals affected with hereditary cancer in the literature. This variant has not been identified in the general population by the Genome Aggregation Database (gnomAD). The available evidence is insufficient to determine the role of this variant in disease conclusively. Therefore, this variant is classified as a Variant of Uncertain Significance.

GeneDx
Classification: Uncertain significance. Last evaluated: 2019-11-05. Review status: criteria provided, single submitter. Criteria: GeneDx Variant Classification Process June 2021. Collection method: clinical testing. Allele origin: germline. Affected: yes.
Comment: Not observed in large population cohorts (Lek 2016); Protein-based in silico analysis, which includes protein predictors and evolutionary conservation, supports a deleterious effect. In addition, splice predictors suggest this variant may impact gene splicing. In the absence of RNA or functional studies, the actual effect of this sequence change is unknown.; Has not been previously published as pathogenic or benign to our knowledge

Counsyl
Classification: Uncertain significance for Lynch syndrome 4. Last evaluated: 2016-10-05. Review status: no assertion criteria provided. Collection method: clinical testing. Allele origin: unknown. Not counted in ClinVar's aggregate classification.